The following continues an entry in ClinVar:

NM_006017.3(PROM1):c.1117C>T (p.Arg373Cys)

Gene: PROM1. ClinVar aggregate classification (germline): Pathogenic/Likely pathogenic. Pathogenic (15); Likely pathogenic (1).

Submissions 14 to 25 of 25:

Broad Center for Mendelian Genomics, Broad Institute of MIT and Harvard
Classification: Pathogenic for Retinitis pigmentosa. Last evaluated: 2021-04-01. Review status: criteria provided, single submitter. Criteria: ACMG Guidelines, 2015. Collection method: curation. Allele origin: germline. Inheritance: Autosomal dominant inheritance. Affected: yes.
Comment: Through a review of available evidence we were able to apply the following criteria: PM2, PP3, PS3, PP1-S. Based on this evidence we have classified this variant as Pathogenic. If you have any questions about the classification please reach out to the Pierce Lab.

Eurofins Ntd Llc (ga)
Classification: Pathogenic. Last evaluated: 2016-11-22. Review status: criteria provided, single submitter. Criteria: EGL Classification Definitions 2015. Collection method: clinical testing. Allele origin: germline. Observed: 1 variant allele, 1 heterozygote.

Juno Genomics, Hangzhou Juno Genomics, Inc
Classification: Pathogenic for Cone-rod dystrophy 12; Retinal macular dystrophy type 2; Retinitis pigmentosa 41; Stargardt disease 4. Review status: criteria provided, single submitter. Criteria: ACMG Guidelines, 2015. Collection method: clinical testing. Allele origin: germline. Affected: yes.
Comment: Absent from controls (or at extremely low frequency if recessive) in Genome Aggregation Database, Exome Sequencing Project, 1000 Genomes Project, or Exome Aggregation Consortium.;De novo (both maternity and paternity confirmed) in a patient with the disease and no family history.;The prevalence of the variant in affected individuals is significantly increased compared to the prevalence in controls.;Co-segregation with disease in multiple affected family members in a gene definitively known to cause the disease.;Patient's phenotype or family history is highly specific for a disease with a single genetic etiology.;Well-established in vitro or in vivo functional studies supportive of a damaging effect on the gene or gene product.

Department of Clinical Genetics, Copenhagen University Hospital, Rigshospitalet
Classification: Pathogenic for Stargardt disease. Last evaluated: 2018-04-01. Review status: no assertion criteria provided. Collection method: research. Allele origin: unknown. Affected: yes. Study: VeluxRD. Not counted in ClinVar's aggregate classification.

Department of Clinical Genetics, Copenhagen University Hospital, Rigshospitalet
Classification: Pathogenic for Macular dystrophy. Last evaluated: 2018-04-01. Review status: no assertion criteria provided. Collection method: research. Allele origin: unknown. Affected: yes. Study: VeluxRD. Not counted in ClinVar's aggregate classification.

NIHR Bioresource Rare Diseases, University of Cambridge
Classification: Likely pathogenic for Retinal dystrophy. Last evaluated: 2015-01-01. Review status: no assertion criteria provided. Collection method: research. Allele origin: unknown. Affected: yes. Observed: 2 variant alleles. Not counted in ClinVar's aggregate classification.

OMIM
Classification: Pathogenic for STARGARDT DISEASE 4. Last evaluated: 2010-09-01. Review status: no assertion criteria provided. Collection method: literature only. Allele origin: germline. Not counted in ClinVar's aggregate classification.

OMIM
Classification: Pathogenic for MACULAR DYSTROPHY, RETINAL, 2. Last evaluated: 2010-09-01. Review status: no assertion criteria provided. Collection method: literature only. Allele origin: germline. Not counted in ClinVar's aggregate classification.

OMIM
Classification: Pathogenic for CONE-ROD DYSTROPHY 12. Last evaluated: 2010-09-01. Review status: no assertion criteria provided. Collection method: literature only. Allele origin: germline. Not counted in ClinVar's aggregate classification.

Clinical Genetics DNA and cytogenetics Diagnostics Lab, Erasmus MC, Erasmus Medical Center
Classification: Pathogenic. Review status: no assertion criteria provided. Collection method: clinical testing. Allele origin: germline. Affected: yes. Study: VKGL Data-share Consensus. Not counted in ClinVar's aggregate classification.

Clinical Genetics, Academic Medical Center
Classification: Pathogenic. Review status: no assertion criteria provided. Collection method: clinical testing. Allele origin: germline. Affected: yes. Study: VKGL Data-share Consensus. Not counted in ClinVar's aggregate classification.

Joint Genome Diagnostic Labs from Nijmegen and Maastricht, Radboudumc and MUMC+
Classification: Pathogenic. Review status: no assertion criteria provided. Collection method: clinical testing. Allele origin: germline. Affected: yes. Study: VKGL Data-share Consensus. Not counted in ClinVar's aggregate classification.

Literature cited by the submitters: PubMed 18654668 (cited by 8 submitters); PubMed 20393116 (cited by 7 submitters); PubMed 22183351 (cited by 6 submitters); PubMed 28559085 (cited by 4 submitters); PubMed 29847639 (cited by 4 submitters); PubMed 28041643 (cited by 3 submitters); PubMed 25356976 (cited by 4 submitters); PubMed 36909829 (cited by Ophthalmic Genetics Group, Institute of Molecular and Clinical Ophthalmology Basel); PubMed 20859302 (cited by 3 submitters); PubMed 22581970 (cited by 3 submitters); PubMed 27624628 (cited by Institute of Human Genetics, Univ. Regensburg, Univ. Regensburg); PubMed 28840994 (cited by Institute of Human Genetics, Univ. Regensburg, Univ. Regensburg); PubMed 28076437 (cited by Institute of Human Genetics, Univ. Regensburg, Univ. Regensburg); PubMed 29555955 (cited by Institute of Human Genetics, Univ. Regensburg, Univ. Regensburg); PubMed 31129250 (cited by Institute of Human Genetics, Univ. Regensburg, Univ. Regensburg); PubMed 31054281 (cited by Institute of Human Genetics, Univ. Regensburg, Univ. Regensburg); PubMed 31144483 (cited by Institute of Human Genetics, Univ. Regensburg, Univ. Regensburg); PubMed 31213501 (cited by Institute of Human Genetics, Univ. Regensburg, Univ. Regensburg); PubMed 30653986 (cited by Institute of Human Genetics, Univ. Regensburg, Univ. Regensburg); PubMed 30926958 (cited by Institute of Human Genetics, Univ. Regensburg, Univ. Regensburg); PubMed 32820593 (cited by Institute of Human Genetics, Univ. Regensburg, Univ. Regensburg); PubMed 33090715 (cited by Institute of Human Genetics, Univ. Regensburg, Univ. Regensburg); PubMed 32581362 (cited by Institute of Human Genetics, Univ. Regensburg, Univ. Regensburg); PubMed 32531858 (cited by Institute of Human Genetics, Univ. Regensburg, Univ. Regensburg); PubMed 33749171 (cited by Institute of Human Genetics, Univ. Regensburg, Univ. Regensburg); PubMed 34008001 (cited by Institute of Human Genetics, Univ. Regensburg, Univ. Regensburg); PubMed 36259723 (cited by Institute of Human Genetics, Univ. Regensburg, Univ. Regensburg); PubMed 36460718 (cited by Institute of Human Genetics, Univ. Regensburg, Univ. Regensburg); PubMed 36284460 (cited by Institute of Human Genetics, Univ. Regensburg, Univ. Regensburg); PubMed 36819107 (cited by Institute of Human Genetics, Univ. Regensburg, Univ. Regensburg); PubMed 34906470 (cited by Broad Center for Mendelian Genomics, Broad Institute of MIT and Harvard); PubMed 10205271 (cited by Broad Center for Mendelian Genomics, Broad Institute of MIT and Harvard and OMIM); PubMed 12657606 (cited by Broad Center for Mendelian Genomics, Broad Institute of MIT and Harvard and OMIM); PubMed 30718709 (cited by Broad Center for Mendelian Genomics, Broad Institute of MIT and Harvard and Department of Clinical Genetics, Copenhagen University Hospital, Rigshospitalet); PubMed 9634506 (cited by OMIM); PubMed 12659814 (cited by OMIM); PubMed 15665353 (cited by OMIM); PubMed 35947379 (cited by OMIM).